The following is an entry in ClinVar:

NM_001376000.2(GTF2H2C):c.1068+8C>A

Gene: GTF2H2C (GTF2H2 family member C; plus strand). Cytogenetic location: 5q13.2.
Variant type: single nucleotide variant.
Coding change: c.1068+8C>A on transcript NM_001376000.2 (MANE Select); 8 bases into the intron after coding-DNA position 1068, C replaced by A.
Molecular consequence: intron variant.
Genome position (GRCh38, 1-based): chr5:69,590,375, C>A. VCF-style: chr5-69590375-C-A. GRCh37 (hg19) VCF-style: chr5-68886202-C-A.
Other names: c.303+8C>A (NM_001376006.1); c.1068+8C>A (NM_001098728.3, NM_001375998.1, NM_001376001.1 and 1 more transcripts); c.960+8C>A (NM_001376003.1); c.1017+8C>A (NM_001376002.1); c.666+8C>A (NM_001376005.1).
Identifiers: ClinVar variation 5039340 (VCV005039340.1).

ClinVar aggregate classification (germline): Likely benign (1 of 4 stars; one submission).

gnomAD v4.1: 12 of 203,470 alleles (0.0059%); highest among the groups gnomAD compares: Admixed American, 0.012%; no homozygotes.

Submission:

CeGaT Center for Human Genetics Tuebingen
Classification: Likely benign. Last evaluated: 2026-07-01. Review status: criteria provided, single submitter. Criteria: CeGaT Center For Human Genetics Tuebingen Variant Classification Criteria Version 2. Collection method: clinical testing. Allele origin: germline. Affected: yes. Observed: 1 variant allele.
Comment: GTF2H2C: BP4